The following is an entry in ClinVar:

NM_000540.3(RYR1):c.11950C>T (p.Leu3984=)

Gene: RYR1 (ryanodine receptor 1; plus strand). Cytogenetic location: 19q13.2.
Variant type: single nucleotide variant.
Coding change: c.11950C>T on transcript NM_000540.3 (MANE Select); coding-DNA position 11950, C replaced by T.
Protein change: p.Leu3984=; no amino-acid change (leucine 3984 retained).
Molecular consequence: synonymous variant.
Genome position (GRCh38, 1-based): chr19:38,543,813, C>T. VCF-style: chr19-38543813-C-T. GRCh37 (hg19) VCF-style: chr19-39034453-C-T.
Other names: c.11935C>T, p.Leu3979= (NM_001042723.2).
Identifiers: ClinVar variation 2142735 (VCV002142735.5), dbSNP rs1972309450, ClinGen allele CA507242633.

ClinVar aggregate classification (germline): Likely benign. Review status: criteria provided, multiple submitters, no conflicts (2 of 4 stars). 2 submissions from 2 submitters: Likely benign (2). Last evaluated 2023-11-14.

Conditions:
RYR1-related disorder. Also called: RYR1-related condition; RYR1-related disorders. Identifiers: MedGen CN239331.
Malignant hyperthermia, susceptibility to, 1 (MHS1). Also called: RYR1-Related Malignant Hyperthermia Susceptibility; Malignant hyperthermia suceptibility 1; Anesthesia related hyperthermia; Malignant hyperpyrexia; Fulminating hyperpyrexia; Pharmacogenic myopathy. Identifiers: Orphanet 423, MedGen C2930980, MONDO:0007783, OMIM 145600.

Allele frequency attached by ClinVar (database versions not stated): gnomAD exomes below 0.00001.
gnomAD v4.1: 1 of 1,613,950 alleles (0.000062%); highest among the groups gnomAD compares: Admixed American, 0.0017%; no homozygotes.

Submissions (2):

Labcorp Genetics (formerly Invitae), Labcorp
Classification: Likely benign for RYR1-related disorder. Last evaluated: 2023-11-14. Review status: criteria provided, single submitter. Criteria: Invitae Variant Classification Sherloc (09022015). Collection method: clinical testing. Allele origin: germline.

All of Us Research Program, National Institutes of Health
Classification: Likely benign for Malignant hyperthermia, susceptibility to, 1. Last evaluated: 2023-10-02. Review status: criteria provided, single submitter. Criteria: ACMG Guidelines, 2015. Collection method: clinical testing. Allele origin: germline. Inheritance: Autosomal dominant inheritance. Observed: 1 variant allele, 1 heterozygote.
Comment: This study involves interpretation of variants in research participants for the purpose of population health screening. Participant phenotype was not available at the time of variant classification. Additional details can be found in publication PMID: 35346344, PMCID: PMC8962531